The following is an entry in ClinVar:

ClinVar aggregate classification (germline): Pathogenic/Likely pathogenic. Review status: criteria provided, multiple submitters, no conflicts (2 of 4 stars). 2 submissions from 2 submitters: Pathogenic (1); Likely pathogenic (1). Last evaluated 2025-07-15.

Conditions:
Familial hyperinsulinism. Also called: Congenital hyperinsulinism. Identifiers: Orphanet 276525, MedGen C3888018, MONDO:0017182. Disease mechanism: loss of function.

gnomAD v4.1: 3 of 1,614,068 alleles (0.00019%); highest among the groups gnomAD compares: Non-Finnish European, 0.00025%; no homozygotes.

Submissions (2):

Women's Health and Genetics/Laboratory Corporation of America, LabCorp
Classification: Likely pathogenic for Familial hyperinsulinism. Last evaluated: 2025-07-15. Review status: criteria provided, single submitter. Criteria: LabCorp Variant Classification Summary - May 2015. Collection method: clinical testing. Allele origin: germline.
Comment: Variant summary: ABCC8 c.4474G>A (p.Ala1492Thr) results in a non-conservative amino acid change in the encoded protein sequence. Algorithms developed to predict the effect of missense changes on protein structure and function all suggest that this variant is likely to be disruptive. The variant was absent in 251386 control chromosomes. c.4474G>A has been observed in individuals affected with Familial Hyperinsulinism (Kassem_2000, Ismail_2012, Kapoor_2013, Arya_2014). These data indicate that the variant is likely to be associated with disease. To our knowledge, no experimental evidence demonstrating an impact on protein function has been reported. The following publications have been ascertained in the context of this evaluation (PMID: 25201519, 16416420, 22031516, 23345197, 10923633, 10685980). ClinVar contains an entry for this variant (Variation ID: 3721002). Based on the evidence outlined above, the variant was classified as likely pathogenic.

Labcorp Genetics (formerly Invitae), Labcorp
Classification: Pathogenic. Last evaluated: 2024-02-24. Review status: criteria provided, single submitter. Criteria: Invitae Variant Classification Sherloc (09022015). Collection method: clinical testing. Allele origin: germline.
Comment: This sequence change replaces alanine, which is neutral and non-polar, with threonine, which is neutral and polar, at codon 1492 of the ABCC8 protein (p.Ala1492Thr). This variant is not present in population databases (gnomAD no frequency). This missense change has been observed in individuals with autosomal recessive diffuse or focal hyperinsulinism (PMID: 22031516, 23345197, 25201519). Advanced modeling of protein sequence and biophysical properties (such as structural, functional, and spatial information, amino acid conservation, physicochemical variation, residue mobility, and thermodynamic stability) performed at Invitae indicates that this missense variant is expected to disrupt ABCC8 protein function with a positive predictive value of 95%. For these reasons, this variant has been classified as Pathogenic.

Literature cited by the submitters: PubMed 16416420 (cited by Women's Health and Genetics/Laboratory Corporation of America, LabCorp); PubMed 10685980 (cited by Women's Health and Genetics/Laboratory Corporation of America, LabCorp); PubMed 10923633 (cited by Women's Health and Genetics/Laboratory Corporation of America, LabCorp); PubMed 23345197 (cited by Women's Health and Genetics/Laboratory Corporation of America, LabCorp and Labcorp Genetics (formerly Invitae), Labcorp); PubMed 25201519 (cited by Women's Health and Genetics/Laboratory Corporation of America, LabCorp and Labcorp Genetics (formerly Invitae), Labcorp); PubMed 22031516 (cited by Women's Health and Genetics/Laboratory Corporation of America, LabCorp and Labcorp Genetics (formerly Invitae), Labcorp).

NM_000352.6(ABCC8):c.4474G>A (p.Ala1492Thr)

Gene: ABCC8 (ATP binding cassette subfamily C member 8; minus strand). Cytogenetic location: 11p15.1.
Variant type: single nucleotide variant.
Coding change: c.4474G>A on transcript NM_000352.6 (MANE Select); coding-DNA position 4474, G replaced by A.
Protein change: p.Ala1492Thr; replaces alanine 1492 with threonine.
Molecular consequence: missense variant. On other transcripts: non-coding transcript variant (1).
Genome position (GRCh38, 1-based): chr11:17,394,337, C>T on the plus strand (G>A on the coding strand, the complement: ABCC8 is on the minus strand). VCF-style: chr11-17394337-C-T. GRCh37 (hg19) VCF-style: chr11-17415884-C-T.
Other names: c.4477G>A, p.Ala1493Thr (NM_001287174.3); c.4540G>A, p.Ala1514Thr (NM_001351295.2); c.4474G>A, p.Ala1492Thr (NM_001351296.2); c.4471G>A, p.Ala1491Thr (NM_001351297.2); short protein forms A1514T, A1493T, A1491T, A1492T.
Identifiers: ClinVar variation 3721002 (VCV003721002.3).